The following is an entry in ClinVar:

ClinVar aggregate classification (germline): Benign/Likely benign. Review status: criteria provided, multiple submitters, no conflicts (2 of 4 stars). 3 submissions from 3 submitters: Benign (1); Likely benign (1). 1 of the submissions does not count toward it. Last evaluated 2026-01-17.

Conditions:
SLC34A3-related disorder. Also called: SLC34A3-related condition.

Allele frequency attached by ClinVar (database versions not stated): gnomAD exomes 0.00028 and 0.00055; ExAC 0.00096; ESP Exome Variant Server 0.00140; 1000 Genomes Project 30x 0.00156; 1000 Genomes Project 0.00200; gnomAD 0.00222 and 0.00246; TOPMed 0.00268.

Submissions (3):

Labcorp Genetics (formerly Invitae), Labcorp
Classification: Benign. Last evaluated: 2026-01-17. Review status: criteria provided, single submitter. Criteria: Invitae Variant Classification Sherloc (09022015). Collection method: clinical testing. Allele origin: germline.

Women's Health and Genetics/Laboratory Corporation of America, LabCorp
Classification: Likely benign. Last evaluated: 2024-01-09. Review status: criteria provided, single submitter. Criteria: LabCorp Variant Classification Summary - May 2015. Collection method: clinical testing. Allele origin: germline.
Comment: Variant summary: SLC34A3 c.679G>A (p.Ala227Thr) results in a non-conservative amino acid change in the encoded protein sequence. Four of five in-silico tools predict a benign effect of the variant on protein function. The variant allele was found at a frequency of 0.00048 in 1602380 control chromosomes, predominantly at a frequency of 0.0072 within the African or African-American subpopulation in the gnomAD database, including 1 homozygotes. The observed variant frequency within African or African-American control individuals in the gnomAD database is approximately 4 fold of the estimated maximal expected allele frequency for a pathogenic variant in SLC34A3 causing Hereditary Hypophosphatemic Rickets With Hypercalciuria phenotype (0.0018), strongly suggesting that the variant is a benign polymorphism found primarily in populations of African or African-American origin. To our knowledge, no occurrence of c.679G>A in individuals affected with Hereditary Hypophosphatemic Rickets With Hypercalciuria and no experimental evidence demonstrating its impact on protein function have been reported. ClinVar contains an entry for this variant (Variation ID: 725809). Based on the evidence outlined above, the variant was classified as likely benign.

PreventionGenetics, part of Exact Sciences
Classification: Benign for SLC34A3-related condition. Last evaluated: 2019-10-30. Review status: no assertion criteria provided. Collection method: clinical testing. Allele origin: germline. Not counted in ClinVar's aggregate classification.
Comment: This variant is classified as benign based on ACMG/AMP sequence variant interpretation guidelines (Richards et al. 2015 PMID: 25741868, with internal and published modifications).

NM_001177316.2(SLC34A3):c.679G>A (p.Ala227Thr)

Gene: SLC34A3 (solute carrier family 34 member 3; plus strand). Cytogenetic location: 9q34.3.
Variant type: single nucleotide variant.
Coding change: c.679G>A on transcript NM_001177316.2 (MANE Select); coding-DNA position 679, G replaced by A.
Protein change: p.Ala227Thr; replaces alanine 227 with threonine.
Molecular consequence: missense variant.
Genome position (GRCh38, 1-based): chr9:137,233,327, G>A. VCF-style: chr9-137233327-G-A. GRCh37 (hg19) VCF-style: chr9-140127779-G-A.
Other names: c.679G>A, p.Ala227Thr (NM_001177317.2, NM_080877.3); short protein forms A227T.
Identifiers: ClinVar variation 725809 (VCV000725809.14), dbSNP rs200814479, ClinGen allele CA5364521.